The following is an entry in ClinVar:

NM_001378452.1(ITPR1):c.1033C>T (p.Arg345Trp)

Gene: ITPR1 (inositol 1,4,5-trisphosphate receptor type 1; plus strand). Cytogenetic location: 3p26.1.
Variant type: single nucleotide variant.
Coding change: c.1033C>T on transcript NM_001378452.1 (MANE Select); coding-DNA position 1033, C replaced by T.
Protein change: p.Arg345Trp; replaces arginine 345 with tryptophan.
Molecular consequence: missense variant.
Genome position (GRCh38, 1-based): chr3:4,658,160, C>T. VCF-style: chr3-4658160-C-T. GRCh37 (hg19) VCF-style: chr3-4699844-C-T.
Other names: c.1033C>T, p.Arg345Trp (NM_001099952.4); c.988C>T, p.Arg330Trp (NM_001168272.2, NM_002222.7); short protein forms R345W, R330W.
Identifiers: ClinVar variation 1518900 (VCV001518900.11), dbSNP rs369055445, ClinGen allele CA2231077.

ClinVar aggregate classification (germline): Uncertain significance. Review status: criteria provided, multiple submitters, no conflicts (2 of 4 stars). 3 submissions from 3 submitters: Uncertain significance (3). Last evaluated 2023-10-15.

Conditions:
Inborn genetic diseases. Identifiers: MedGen C0950123, MeSH D030342.

gnomAD v4.1: 72 of 1,612,774 alleles (0.0045%); highest among the groups gnomAD compares: East Asian, 0.02%; 1 homozygote.

Submissions (3):

Labcorp Genetics (formerly Invitae), Labcorp
Classification: Uncertain significance. Last evaluated: 2023-10-15. Review status: criteria provided, single submitter. Criteria: Invitae Variant Classification Sherloc (09022015). Collection method: clinical testing. Allele origin: germline.
Comment: This sequence change replaces arginine, which is basic and polar, with tryptophan, which is neutral and slightly polar, at codon 330 of the ITPR1 protein (p.Arg330Trp). This variant is present in population databases (rs369055445, gnomAD 0.03%), including at least one homozygous and/or hemizygous individual. This variant has not been reported in the literature in individuals affected with ITPR1-related conditions. ClinVar contains an entry for this variant (Variation ID: 1518900). Advanced modeling of protein sequence and biophysical properties (such as structural, functional, and spatial information, amino acid conservation, physicochemical variation, residue mobility, and thermodynamic stability) performed at Invitae indicates that this missense variant is expected to disrupt ITPR1 protein function. In summary, the available evidence is currently insufficient to determine the role of this variant in disease. Therefore, it has been classified as a Variant of Uncertain Significance.

GeneDx
Classification: Uncertain significance. Last evaluated: 2023-06-21. Review status: criteria provided, single submitter. Criteria: GeneDx Variant Classification Process June 2021. Collection method: clinical testing. Allele origin: germline. Affected: yes.
Comment: In silico analysis supports that this missense variant has a deleterious effect on protein structure/function; Has not been previously published as pathogenic or benign to our knowledge

Ambry Genetics
Classification: Uncertain significance for Inborn genetic diseases. Last evaluated: 2021-07-09. Review status: criteria provided, single submitter. Criteria: Ambry Variant Classification Scheme 2023. Collection method: clinical testing. Allele origin: germline.